The following is an entry in ClinVar:

ClinVar aggregate classification (germline): Uncertain significance. Review status: criteria provided, multiple submitters, no conflicts (2 of 4 stars). 6 submissions from 6 submitters: Uncertain significance (6). Last evaluated 2026-05-11.

Conditions:
Inborn genetic diseases. Identifiers: MedGen C0950123, MeSH D030342.
MOGS-congenital disorder of glycosylation. Also called: CDG 2B; MOGS-CDG; CDG IIb; GLUCOSIDASE I DEFICIENCY. Identifiers: Orphanet 79330, MedGen C1853736, MONDO:0011629, OMIM 606056.

Allele frequency attached by ClinVar (database versions not stated): ExAC 0.00037; ESP Exome Variant Server 0.00048; gnomAD 0.00052 and 0.00051; 1000 Genomes Project 0.00060; gnomAD exomes 0.00046 and 0.00088; TOPMed 0.00057; 1000 Genomes Project 30x 0.00062.
gnomAD v4.1: 1,342 of 1,614,216 alleles (0.083%); highest among the groups gnomAD compares: Non-Finnish European, 0.11%; 1 homozygote.

Submissions (6):

Ambry Genetics
Classification: Uncertain significance for Inborn genetic diseases. Last evaluated: 2026-05-11. Review status: criteria provided, single submitter. Criteria: Ambry Variant Classification Scheme 2023. Collection method: clinical testing. Allele origin: germline.
Comment: The c.2062G>A (p.A688T) alteration is located in exon 4 (coding exon 4) of the MOGS gene. This alteration results from a G to A substitution at nucleotide position 2062, causing the alanine (A) at amino acid position 688 to be replaced by a threonine (T). Based on data from gnomAD, the A allele has an overall frequency of 0.046% (130/280942) total alleles studied. The highest observed frequency was 0.086% (110/128698) of European (non-Finnish) alleles. Based on insufficient or conflicting evidence, the clinical significance of this alteration remains unclear.

Labcorp Genetics (formerly Invitae), Labcorp
Classification: Uncertain significance for MOGS-congenital disorder of glycosylation. Last evaluated: 2022-08-31. Review status: criteria provided, single submitter. Criteria: Invitae Variant Classification Sherloc (09022015). Collection method: clinical testing. Allele origin: germline.
Comment: This sequence change replaces alanine, which is neutral and non-polar, with threonine, which is neutral and polar, at codon 688 of the MOGS protein (p.Ala688Thr). This variant is present in population databases (rs186098891, gnomAD 0.09%), and has an allele count higher than expected for a pathogenic variant. This missense change has been observed in individual(s) with clinical features of MOGs-related conditions (Invitae). ClinVar contains an entry for this variant (Variation ID: 565682). Algorithms developed to predict the effect of missense changes on protein structure and function (SIFT, PolyPhen-2, Align-GVGD) all suggest that this variant is likely to be tolerated. In summary, the available evidence is currently insufficient to determine the role of this variant in disease. Therefore, it has been classified as a Variant of Uncertain Significance.

Baylor Genetics
Classification: Uncertain significance for MOGS-congenital disorder of glycosylation. Last evaluated: 2019-08-03. Review status: criteria provided, single submitter. Criteria: ACMG Guidelines, 2015. Collection method: clinical testing. Allele origin: unknown. Affected: yes.
Comment: This variant was determined to be of uncertain significance according to ACMG Guidelines, 2015 [PMID:25741868].

Revvity Omics, Revvity
Classification: Uncertain significance for MOGS-congenital disorder of glycosylation. Last evaluated: 2019-07-19. Review status: criteria provided, single submitter. Criteria: ACMG Guidelines, 2015. Collection method: clinical testing. Allele origin: germline.

Fulgent Genetics
Classification: Uncertain significance for MOGS-congenital disorder of glycosylation. Last evaluated: 2018-10-31. Review status: criteria provided, single submitter. Criteria: ACMG Guidelines, 2015. Collection method: clinical testing. Allele origin: unknown.

Breakthrough Genomics
Classification: Uncertain significance. Review status: criteria provided, single submitter. Criteria: ACMG Guidelines, 2015. Collection method: not provided. Allele origin: germline. Inheritance: Autosomal recessive inheritance. Affected: yes.

NM_006302.3(MOGS):c.2062G>A (p.Ala688Thr)

Gene: MOGS (mannosyl-oligosaccharide glucosidase; minus strand). Cytogenetic location: 2p13.1.
Variant type: single nucleotide variant.
Coding change: c.2062G>A on transcript NM_006302.3 (MANE Select); coding-DNA position 2062, G replaced by A.
Protein change: p.Ala688Thr; replaces alanine 688 with threonine.
Molecular consequence: missense variant.
Genome position (GRCh38, 1-based): chr2:74,461,727, C>T on the plus strand (G>A on the coding strand, the complement: MOGS is on the minus strand). VCF-style: chr2-74461727-C-T. GRCh37 (hg19) VCF-style: chr2-74688854-C-T.
Other names: c.2062G>A, p.Ala688Thr (LRG_1226t1); c.1744G>A, p.Ala582Thr (NM_001146158.2); short protein forms A688T, A582T.
Identifiers: ClinVar variation 565682 (VCV000565682.15), dbSNP rs186098891, ClinGen allele CA1724662.